The following is an entry in ClinVar:

ClinVar aggregate classification (germline): Likely pathogenic. Review status: criteria provided, multiple submitters, no conflicts (2 of 4 stars). 2 submissions from 2 submitters: Likely pathogenic (2). Last evaluated 2025-07-03.

Conditions:
Holocarboxylase synthetase deficiency. Also called: MULTIPLE CARBOXYLASE DEFICIENCY, EARLY ONSET. Identifiers: Orphanet 79242, MedGen C0268581, MONDO:0009666, OMIM 253270.

gnomAD v4.1: 9 of 1,614,046 alleles (0.00056%); highest among the groups gnomAD compares: East Asian, 0.0022%; no homozygotes.

Submissions (2):

Natera, Inc.
Classification: Likely pathogenic for Holocarboxylase synthetase deficiency. Last evaluated: 2025-07-03. Review status: criteria provided, single submitter. Criteria: Natera Variant Classification Schema (03/2026). Collection method: clinical testing. Allele origin: germline.
Comment: The c.1900G>T variant in HLCS is a missense variant predicted to cause substitution of aspartic acid to tyrosine at amino acid 634. This variant is rare in the general population with a frequency below the threshold expected for the associated phenotype(s). This variant has been observed in one or more individuals affected with the associated recessive disease, as either homozygous or compound heterozygous with a second variant (PMID: 11735028). Functional studies show that this variant may disrupt protein function (PMID: 11735028). Computational prediction algorithms indicate this variant is likely to affect gene or protein function. Given the available evidence, this variant is classified as Likely Pathogenic.

Baylor Genetics
Classification: Likely pathogenic for Holocarboxylase synthetase deficiency. Last evaluated: 2023-11-08. Review status: criteria provided, single submitter. Criteria: ACMG Guidelines, 2015. Collection method: clinical testing. Allele origin: unknown.

Literature cited by the submitters: PubMed 11735028 (cited by Natera, Inc.).

NM_001352514.2(HLCS):c.2341G>T (p.Asp781Tyr)

Gene: HLCS (holocarboxylase synthetase; minus strand). Cytogenetic location: 21q22.13.
Variant type: single nucleotide variant.
Coding change: c.2341G>T on transcript NM_001352514.2 (MANE Select); coding-DNA position 2341, G replaced by T.
Protein change: p.Asp781Tyr; replaces aspartic acid 781 with tyrosine.
Molecular consequence: missense variant. On other transcripts: non-coding transcript variant (2).
Genome position (GRCh38, 1-based): chr21:36,756,651, C>A on the plus strand (G>T on the coding strand, the complement: HLCS is on the minus strand). VCF-style: chr21-36756651-C-A. GRCh37 (hg19) VCF-style: chr21-38128952-C-A.
Other names: c.1900G>T (NM_000411.7); c.1900G>T, p.Asp634Tyr (NM_000411.8, NM_001242784.3, NM_001242785.2 and 4 more transcripts); short protein forms D634Y, D781Y.
Identifiers: ClinVar variation 2676009 (VCV002676009.3), dbSNP rs149399432, ClinGen allele CA409919150.